The following is an entry in ClinVar:

NM_000548.5(TSC2):c.646G>C (p.Glu216Gln)

Gene: TSC2 (TSC complex subunit 2; plus strand). Cytogenetic location: 16p13.3.
Variant type: single nucleotide variant.
Coding change: c.646G>C on transcript NM_000548.5 (MANE Select); coding-DNA position 646, G replaced by C.
Protein change: p.Glu216Gln; replaces glutamic acid 216 with glutamine.
Molecular consequence: missense variant.
Genome position (GRCh38, 1-based): chr16:2,056,242, G>C. VCF-style: chr16-2056242-G-C. GRCh37 (hg19) VCF-style: chr16-2106243-G-C.
Other names: c.646G>C, p.Glu216Gln (NM_001077183.3, NM_001114382.3, NM_001363528.2 and 3 more transcripts); c.535G>C, p.Glu179Gln (NM_001318827.2); c.499G>C, p.Glu167Gln (NM_001318829.2); c.46G>C, p.Glu16Gln (NM_001318831.2); c.679G>C, p.Glu227Gln (NM_001318832.2); short protein forms E167Q, E227Q, E16Q, E179Q, E216Q.
Identifiers: ClinVar variation 647602 (VCV000647602.9), dbSNP rs45517118, ClinGen allele CA394311070.

ClinVar aggregate classification (germline): Uncertain significance. Review status: criteria provided, multiple submitters, no conflicts (2 of 4 stars). 2 submissions from 2 submitters: Uncertain significance (2). Last evaluated 2024-04-16.

Conditions:
Tuberous sclerosis syndrome (TSC). Also called: Tuberous sclerosis; Tuberous Sclerosis Complex. Identifiers: Orphanet 805, MedGen C0041341, MONDO:0001734.
Tuberous sclerosis 2 (TSC2). Identifiers: Orphanet 805, MedGen C1860707, MONDO:0013199, OMIM 613254.

Submissions (2):

Labcorp Genetics (formerly Invitae), Labcorp
Classification: Uncertain significance for Tuberous sclerosis 2. Last evaluated: 2024-04-16. Review status: criteria provided, single submitter. Criteria: Invitae Variant Classification Sherloc (09022015). Collection method: clinical testing. Allele origin: germline.
Comment: This sequence change replaces glutamic acid, which is acidic and polar, with glutamine, which is neutral and polar, at codon 216 of the TSC2 protein (p.Glu216Gln). This variant is not present in population databases (gnomAD no frequency). This variant has not been reported in the literature in individuals affected with TSC2-related conditions. ClinVar contains an entry for this variant (Variation ID: 647602). An algorithm developed to predict the effect of missense changes on protein structure and function (PolyPhen-2) suggests that this variant is likely to be tolerated. In summary, the available evidence is currently insufficient to determine the role of this variant in disease. Therefore, it has been classified as a Variant of Uncertain Significance.

All of Us Research Program, National Institutes of Health
Classification: Uncertain significance for Tuberous sclerosis syndrome. Last evaluated: 2023-11-02. Review status: criteria provided, single submitter. Criteria: ACMG Guidelines, 2015. Collection method: clinical testing. Allele origin: germline. Inheritance: Autosomal dominant inheritance. Observed: 1 variant allele, 1 heterozygote.
Comment: This missense variant replaces glutamic acid with glutamine at codon 216 of the TSC2 protein. Computational prediction is inconclusive regarding the impact of this variant on protein structure and function (internally defined REVEL score threshold 0.5 < inconclusive < 0.7, PMID: 27666373). To our knowledge, functional studies have not been reported for this variant. This variant has not been reported in individuals affected with TSC2-related disorders in the literature. This variant has not been identified in the general population by the Genome Aggregation Database (gnomAD). The available evidence is insufficient to determine the role of this variant in disease conclusively. Therefore, this variant is classified as a Variant of Uncertain Significance.

This study involves interpretation of variants in research participants for the purpose of population health screening. Participant phenotype was not available at the time of variant classification. Additional details can be found in publication PMID: 35346344, PMCID: PMC8962531